The following is an entry in ClinVar:

NM_001291303.3(FAT4):c.6905G>A (p.Gly2302Asp)

Gene: FAT4 (FAT atypical cadherin 4; plus strand). Cytogenetic location: 4q28.1.
Variant type: single nucleotide variant.
Coding change: c.6905G>A on transcript NM_001291303.3 (MANE Select); coding-DNA position 6905, G replaced by A.
Protein change: p.Gly2302Asp; replaces glycine 2302 with aspartic acid.
Molecular consequence: missense variant.
Genome position (GRCh38, 1-based): chr4:125,416,509, G>A. VCF-style: chr4-125416509-G-A. GRCh37 (hg19) VCF-style: chr4-126337664-G-A.
Other names: c.6905G>A, p.Gly2302Asp (NM_001291285.3, NM_024582.6); c.6905G>A (NM_024582.5); short protein forms G2302D.
Identifiers: ClinVar variation 1470392 (VCV001470392.5), dbSNP rs143204873, ClinGen allele CA3073021.

ClinVar aggregate classification (germline): Uncertain significance. Review status: criteria provided, multiple submitters, no conflicts (2 of 4 stars). 3 submissions from 3 submitters: Uncertain significance (3). Last evaluated 2025-06-20.

Conditions:
Van Maldergem syndrome 2 (VMLDS2). Identifiers: Orphanet 314679, MedGen C3809875, MONDO:0014242, OMIM 615546.
Hennekam lymphangiectasia-lymphedema syndrome 2 (HKLLS2). Identifiers: Orphanet 2136, MedGen C4014939, MONDO:0014454, OMIM 616006.

Allele frequency attached by ClinVar (database versions not stated): ESP Exome Variant Server 0.00023.
gnomAD v4.1: 29 of 1,613,848 alleles (0.0018%); highest among the groups gnomAD compares: Middle Eastern, 0.016%; no homozygotes.

Submissions (3):

Women's Health and Genetics/Laboratory Corporation of America, LabCorp
Classification: Uncertain significance. Last evaluated: 2025-06-20. Review status: criteria provided, single submitter. Criteria: LabCorp Variant Classification Summary - May 2015. Collection method: clinical testing. Allele origin: germline.
Comment: Variant summary: FAT4 c.6905G>A (p.Gly2302Asp) results in a non-conservative amino acid change in the encoded protein sequence. Algorithms developed to predict the effect of missense changes on protein structure and function are either unavailable or do not agree on the potential impact of this missense change. The variant allele was found at a frequency of 8e-06 in 251212 control chromosomes. The available data on variant occurrences in the general population are insufficient to allow any conclusion about variant significance. c.6905G>A has been observed in individual(s) affected with abnormality of the nervous system (example: Retterer_2016). These report(s) do not provide unequivocal conclusions about association of the variant with FAT4-Related Disorders. To our knowledge, no experimental evidence demonstrating an impact on protein function has been reported. The following publication has been ascertained in the context of this evaluation (PMID: 26633542). ClinVar contains an entry for this variant (Variation ID: 1470392). Based on the evidence outlined above, the variant was classified as uncertain significance.

Fulgent Genetics
Classification: Uncertain significance for Van Maldergem syndrome 2; Hennekam lymphangiectasia-lymphedema syndrome 2. Last evaluated: 2024-05-18. Review status: criteria provided, single submitter. Criteria: ACMG Guidelines, 2015. Collection method: clinical testing. Allele origin: germline.

Labcorp Genetics (formerly Invitae), Labcorp
Classification: Uncertain significance. Last evaluated: 2022-07-06. Review status: criteria provided, single submitter. Criteria: Invitae Variant Classification Sherloc (09022015). Collection method: clinical testing. Allele origin: germline.
Comment: This sequence change replaces glycine, which is neutral and non-polar, with aspartic acid, which is acidic and polar, at codon 2302 of the FAT4 protein (p.Gly2302Asp). This variant is present in population databases (rs143204873, gnomAD 0.002%). This variant has not been reported in the literature in individuals affected with FAT4-related conditions. ClinVar contains an entry for this variant (Variation ID: 1470392). Advanced modeling of protein sequence and biophysical properties (such as structural, functional, and spatial information, amino acid conservation, physicochemical variation, residue mobility, and thermodynamic stability) performed at Invitae indicates that this missense variant is not expected to disrupt FAT4 protein function. In summary, the available evidence is currently insufficient to determine the role of this variant in disease. Therefore, it has been classified as a Variant of Uncertain Significance.

Literature cited by the submitters: PubMed 26633542 (cited by Women's Health and Genetics/Laboratory Corporation of America, LabCorp).